The following is an entry in ClinVar:

NM_153676.4(USH1C):c.375del (p.Ser125fs)

Gene: USH1C (USH1 protein network component harmonin; minus strand). Cytogenetic location: 11p15.1.
Variant type: Deletion.
Coding change: c.375del on transcript NM_153676.4 (MANE Select); coding-DNA position 375, one base deleted (C; older notation c.375delC).
Protein change: p.Ser125fs; shifts the reading frame from serine 125.
Molecular consequence: frameshift variant. On other transcripts: non-coding transcript variant (1).
Genome position (GRCh38, 1-based): chr11:17,531,166, G deleted on the plus strand (C on the coding strand, the reverse complement: USH1C is on the minus strand). VCF-style (leftmost placement, unchanged base first): chr11-17531165-CG-C. GRCh37 (hg19) VCF-style: chr11-17552712-CG-C.
Other names: c.375del, p.Ser125fs (NM_001297764.2, NM_005709.4); c.375delC (NM_005709.3); short protein forms S125fs.
Identifiers: ClinVar variation 1074506 (VCV001074506.14), dbSNP rs756032457, ClinGen allele CA5905085.

ClinVar aggregate classification (germline): Pathogenic/Likely pathogenic. Review status: criteria provided, multiple submitters, no conflicts (2 of 4 stars). 4 submissions from 4 submitters: Pathogenic (2); Likely pathogenic (2). Last evaluated 2026-10-10.

Conditions:
Usher syndrome type 1C. Also called: USHER SYNDROME, TYPE I, ACADIAN VARIETY. Identifiers: Orphanet 231169, Orphanet 886, MedGen C1848604, MONDO:0010171, OMIM 276904.
Autosomal recessive nonsyndromic hearing loss 18A. Also called: DEAFNESS, AUTOSOMAL RECESSIVE 18; Deafness, autosomal recessive 18A. Identifiers: Orphanet 90636, MedGen C1865870, MONDO:0011192, OMIM 602092.

Allele frequency attached by ClinVar (database versions not stated): gnomAD exomes 0.00001 and below 0.00001; gnomAD 0.00001; TOPMed 0.00002; ESP Exome Variant Server 0.00008; ExAC 0.00002.

Submissions (4):

GeneDx
Classification: Likely pathogenic. Last evaluated: 2026-10-10. Review status: criteria provided, single submitter. Criteria: GeneDx Variant Classification Process June 2021. Collection method: clinical testing. Allele origin: germline.
Comment: Frameshift variant predicted to result in protein truncation or nonsense mediated decay in a gene for which loss of function is a known mechanism of disease; Has not been previously published as pathogenic or benign in association with an USH1C-related disorder to our knowledge; This variant is associated with the following publications: (PMID: 31964843)

Labcorp Genetics (formerly Invitae), Labcorp
Classification: Pathogenic. Last evaluated: 2025-07-13. Review status: criteria provided, single submitter. Criteria: Invitae Variant Classification Sherloc (09022015). Collection method: clinical testing. Allele origin: germline.
Comment: This sequence change creates a premature translational stop signal (p.Ser125Argfs*6) in the USH1C gene. It is expected to result in an absent or disrupted protein product. Loss-of-function variants in USH1C are known to be pathogenic (PMID: 10973247, 17407589, 20301442, 21203349). This variant is present in population databases (rs756032457, gnomAD 0.01%). This variant has not been reported in the literature in individuals affected with USH1C-related conditions. ClinVar contains an entry for this variant (Variation ID: 1074506). For these reasons, this variant has been classified as Pathogenic.

Natera, Inc.
Classification: Likely pathogenic for Usher syndrome type 1C. Last evaluated: 2024-06-21. Review status: criteria provided, single submitter. Criteria: Natera Variant Classification Schema (03/2026). Collection method: clinical testing. Allele origin: germline.
Comment: The c.375delC variant in USH1C is a frameshift variant predicted to shift the reading frame beginning at codon 125 and leads to a stop codon 6 codons downstream. This variant is expected to result in nonsense mediated decay, truncation, or a dysfunctional protein product. This variant is rare in the general population with a frequency below the threshold expected for the associated phenotype(s). Given the available evidence, this variant is classified as Likely Pathogenic.

Baylor Genetics
Classification: Pathogenic for Autosomal recessive nonsyndromic hearing loss 18A. Last evaluated: 2024-03-23. Review status: criteria provided, single submitter. Criteria: ACMG Guidelines, 2015. Collection method: clinical testing. Allele origin: unknown.

Literature cited by the submitters: PubMed 10973247 (cited by Labcorp Genetics (formerly Invitae), Labcorp); PubMed 17407589 (cited by Labcorp Genetics (formerly Invitae), Labcorp); PubMed 20301442 (cited by Labcorp Genetics (formerly Invitae), Labcorp); PubMed 21203349 (cited by Labcorp Genetics (formerly Invitae), Labcorp).